The following is an entry in ClinVar:

ClinVar aggregate classification (germline): Benign (1 of 4 stars; one submission).

Conditions:
Multiple endocrine neoplasia type 2A. Also called: Multiple Endocrine Neoplasia Type 2A (MEN2A); MULTIPLE ENDOCRINE NEOPLASIA, TYPE IIA; PTC SYNDROME; SIPPLE SYNDROME; MEN 2A; MEN-2A syndrome. Identifiers: Orphanet 247698, Orphanet 653, MedGen C0025268, MeSH D018813, MONDO:0008234, OMIM 171400.

gnomAD v4.1: 1 of 1,610,362 alleles (0.000062%); highest among the groups gnomAD compares: Non-Finnish European, 0.000085%; no homozygotes.

Submission:

Myriad Genetics, Inc.
Classification: Benign for Multiple endocrine neoplasia type 2A. Last evaluated: 2025-02-26. Review status: criteria provided, single submitter. Criteria: Myriad Autosomal Dominant, Autosomal Recessive and X-Linked Classification Criteria (2023). Collection method: clinical testing. Allele origin: unknown.
Comment: This variant is considered benign. This variant is a silent/synonymous amino acid change and it is not expected to impact splicing.

NM_020975.6(RET):c.1935C>T (p.Ser645=)

Gene: RET (ret proto-oncogene; plus strand). Cytogenetic location: 10q11.21.
Variant type: single nucleotide variant.
Coding change: c.1935C>T on transcript NM_020975.6 (MANE Select); coding-DNA position 1935, C replaced by T.
Protein change: p.Ser645=; no amino-acid change (serine 645 retained).
Molecular consequence: synonymous variant. On other transcripts: intron variant (4).
Genome position (GRCh38, 1-based): chr10:43,114,535, C>T. VCF-style: chr10-43114535-C-T. GRCh37 (hg19) VCF-style: chr10-43609983-C-T.
Other names: c.1806C>T, p.Ser602= (NM_001406764.1, NM_001406762.1, NM_001406761.1); c.1935C>T, p.Ser645= (NM_001406744.1, NM_001406759.1, NM_001406760.1 and 2 more transcripts); c.1647C>T, p.Ser549= (NM_001406766.1, NM_001406767.1, NM_001406770.1); c.1539C>T, p.Ser513= (NM_001406769.1, NM_001406772.1); c.1497C>T, p.Ser499= (NM_001406771.1, NM_001406773.1); c.1410C>T, p.Ser470= (NM_001406774.1); c.1209C>T, p.Ser403= (NM_001406775.1, NM_001406776.1, NM_001406777.1 and 1 more transcripts); c.1038C>T, p.Ser346= (NM_001406779.1, NM_001406780.1, NM_001406781.1 and 1 more transcripts); and 10 more.
Identifiers: ClinVar variation 3904578 (VCV003904578.1).